The following is an entry in ClinVar:

NM_032043.3(BRIP1):c.1781T>C (p.Leu594Ser)

Gene: BRIP1 (BRCA1 interacting DNA helicase 1; minus strand). Cytogenetic location: 17q23.2.
Variant type: single nucleotide variant.
Coding change: c.1781T>C on transcript NM_032043.3 (MANE Select); coding-DNA position 1781, T replaced by C.
Protein change: p.Leu594Ser; replaces leucine 594 with serine.
Molecular consequence: missense variant.
Genome position (GRCh38, 1-based): chr17:61,780,853, A>G on the plus strand (T>C on the coding strand, the complement: BRIP1 is on the minus strand). VCF-style: chr17-61780853-A-G. GRCh37 (hg19) VCF-style: chr17-59858214-A-G.
Other names: short protein forms L594S.
Identifiers: ClinVar variation 141184 (VCV000141184.16), dbSNP rs587781559, ClinGen allele CA164705.
Genomic context (GRCh38, chr17:61,780,853, plus strand): 5'-TGGTACTGAGCAAGAAGACAAAATTTCCATTTACATGATGAGCTTACCACAGCTGGATTT[A>G]AGCACCAAAAGTTTAGCACATGAACTGCAGTTTTCTGTCGTGAACGTTTCTTATTTTTTG-3'
Protein context (NP_114432.2, residues 584-604): TAVHVLNFWC[Leu594Ser]NPAVAFSDIN

ClinVar aggregate classification (germline): Uncertain significance. Review status: criteria provided, multiple submitters, no conflicts (2 of 4 stars). 2 submissions from 2 submitters: Uncertain significance (2). Last evaluated 2019-09-25.

Conditions:
Familial cancer of breast. Also called: Hereditary breast cancer; hereditary breast carcinoma; BREAST CANCER, FAMILIAL. Identifiers: Orphanet 227535, MedGen C0346153, MONDO:0016419, OMIM 114480. Disease mechanism: loss of function.
Fanconi anemia complementation group J. Also called: BRIP1-Related Fanconi Anemia. Identifiers: Orphanet 84, MedGen C1836860, MONDO:0012187, OMIM 609054.
Hereditary cancer-predisposing syndrome. Also called: Neoplastic Syndromes, Hereditary; Hereditary Cancer Syndrome; Hereditary neoplastic syndrome; Tumor predisposition. Identifiers: Orphanet 140162, MedGen C0027672, MeSH D009386, MONDO:0015356.

Allele frequency attached by ClinVar (database versions not stated): gnomAD exomes below 0.00001; ExAC 0.00001.
gnomAD v4.1: 1 of 1,614,202 alleles (0.000062%); highest among the groups gnomAD compares: Non-Finnish European, 0.000085%; no homozygotes.

Submissions (2):

Labcorp Genetics (formerly Invitae), Labcorp
Classification: Uncertain significance for Familial cancer of breast; Fanconi anemia complementation group J. Last evaluated: 2019-09-25. Review status: criteria provided, single submitter. Criteria: Invitae Variant Classification Sherloc (09022015). Collection method: clinical testing. Allele origin: germline.
Comment: This variant is present in population databases (rs587781559, ExAC 0.001%). In summary, the available evidence is currently insufficient to determine the role of this variant in disease. Therefore, it has been classified as a Variant of Uncertain Significance. Algorithms developed to predict the effect of missense changes on protein structure and function (SIFT, PolyPhen-2, Align-GVGD) all suggest that this variant is likely to be disruptive, but these predictions have not been confirmed by published functional studies and their clinical significance is uncertain. This variant has not been reported in the literature in individuals with BRIP1-related disease. ClinVar contains an entry for this variant (Variation ID: 141184). This sequence change replaces leucine with serine at codon 594 of the BRIP1 protein (p.Leu594Ser). The leucine residue is highly conserved and there is a large physicochemical difference between leucine and serine.

Ambry Genetics
Classification: Uncertain significance for Hereditary cancer-predisposing syndrome. Last evaluated: 2014-12-11. Review status: criteria provided, single submitter. Criteria: Ambry Variant Classification Scheme 2023. Collection method: clinical testing. Allele origin: germline.
Comment: The p.L594S variant (also known as c.1781T>C), located in coding exon 11 of the BRIP1 gene, results from a T to C substitution at nucleotide position 1781. The leucine at codon 594 is replaced by serine, an amino acid with dissimilar properties. This variant was not reported in population based cohorts in the following databases: Database of Single Nucleotide Polymorphisms (dbSNP), NHLBI Exome Sequencing Project (ESP), and 1000 Genomes Project. To date, this alteration has been detected with an allele frequency of approximately 0.005% (greater than 40000 alleles tested) in our clinical cohort (includes this individual). Based on protein sequence alignment, this amino acid position is highly conserved in available vertebrate species. In addition, this alteration is predicted to be deleterious by in silico analysis. Since supporting evidence is limited at this time, the clinical significance of this variant remains unclear.